The following is an entry in ClinVar:

NM_018136.5(ASPM):c.5842C>T (p.Arg1948Cys)

Gene: ASPM (assembly factor for spindle microtubules; minus strand). Cytogenetic location: 1q31.3.
Variant type: single nucleotide variant.
Coding change: c.5842C>T on transcript NM_018136.5 (MANE Select); coding-DNA position 5842, C replaced by T.
Protein change: p.Arg1948Cys; replaces arginine 1948 with cysteine.
Molecular consequence: missense variant. On other transcripts: intron variant (1).
Genome position (GRCh38, 1-based): chr1:197,103,409, G>A on the plus strand (C>T on the coding strand, the complement: ASPM is on the minus strand). VCF-style: chr1-197103409-G-A. GRCh37 (hg19) VCF-style: chr1-197072539-G-A.
Other names: c.4066-7245C>T (NM_001206846.2); short protein forms R1948C.
Identifiers: ClinVar variation 2210590 (VCV002210590.4), dbSNP rs375852743, ClinGen allele CA1309681.

ClinVar aggregate classification (germline): Uncertain significance. Review status: criteria provided, multiple submitters, no conflicts (2 of 4 stars). 3 submissions from 3 submitters: Uncertain significance (3). Last evaluated 2023-04-11.

Conditions:
Inborn genetic diseases. Identifiers: MedGen C0950123, MeSH D030342.
Microcephaly 5, primary, autosomal recessive (MCPH5). Also called: ASPM Primary Microcephaly. Identifiers: Orphanet 2512, MedGen C1837501, MONDO:0012106, OMIM 608716.

Allele frequency attached by ClinVar (database versions not stated): gnomAD 0.00005; ExAC 0.00006; TOPMed 0.00007; ESP Exome Variant Server 0.00008.
gnomAD v4.1: 56 of 1,612,948 alleles (0.0035%); highest among the groups gnomAD compares: Middle Eastern, 0.016%; no homozygotes.

Submissions (3):

Genome-Nilou Lab
Classification: Uncertain significance for Microcephaly 5, primary, autosomal recessive. Last evaluated: 2023-04-11. Review status: criteria provided, single submitter. Criteria: ACMG Guidelines, 2015. Collection method: clinical testing. Allele origin: germline. Affected: no.

GeneDx
Classification: Uncertain significance. Last evaluated: 2023-03-15. Review status: criteria provided, single submitter. Criteria: GeneDx Variant Classification Process June 2021. Collection method: clinical testing. Allele origin: germline. Affected: yes.
Comment: In silico analysis supports that this missense variant has a deleterious effect on protein structure/function; Missense variant in a gene in which most reported pathogenic variants are truncating/loss of function; Has not been previously published as pathogenic or benign to our knowledge

Ambry Genetics
Classification: Uncertain significance for Inborn genetic diseases. Last evaluated: 2021-09-17. Review status: criteria provided, single submitter. Criteria: Ambry Variant Classification Scheme 2023. Collection method: clinical testing. Allele origin: germline.